The following is an entry in ClinVar:

ClinVar aggregate classification (germline): Likely pathogenic (1 of 4 stars; one submission).

Conditions:
Junctional epidermolysis bullosa. Identifiers: Orphanet 305, MedGen C0079301, MONDO:0017612.

Submission:

Myriad Genetics, Inc.
Classification: Likely pathogenic for Junctional epidermolysis bullosa. Last evaluated: 2022-04-02. Review status: criteria provided, single submitter. Criteria: Myriad Autosomal Dominant, Autosomal Recessive and X-Linked Classification Criteria (2023). Collection method: clinical testing. Allele origin: unknown.
Comment: NM_000228.2(LAMB3):c.1204A>T(K402*) is expected to be pathogenic in the context of junctional epidermolysis bullosa, LAMB3-related. This variant is predicted to lead to an abnormal or absent protein product due to the creation of a premature termination codon in LAMB3, a gene where loss-of-function variants are known to be pathogenic. Please note: this variant was assessed in the context of healthy population screening.

NM_000228.3(LAMB3):c.1204A>T (p.Lys402Ter)

Gene: LAMB3 (laminin subunit beta 3; minus strand). Cytogenetic location: 1q32.2.
Variant type: single nucleotide variant.
Coding change: c.1204A>T on transcript NM_000228.3 (MANE Select); coding-DNA position 1204, A replaced by T.
Protein change: p.Lys402Ter; replaces lysine 402 with a stop codon.
Molecular consequence: nonsense.
Genome position (GRCh38, 1-based): chr1:209,628,119, T>A on the plus strand (A>T on the coding strand, the complement: LAMB3 is on the minus strand). VCF-style: chr1-209628119-T-A. GRCh37 (hg19) VCF-style: chr1-209801464-T-A.
Other names: c.1204A>T, p.Lys402Ter (NM_001017402.2, NM_001127641.1); short protein forms K402*.
Identifiers: ClinVar variation 1725843 (VCV001725843.3), dbSNP rs2464837989, ClinGen allele CA344591745.